The following is an entry in ClinVar:

NM_001330691.3(CEP78):c.1400dup (p.Gln469fs)

Gene: CEP78 (centrosomal protein 78; plus strand). Cytogenetic location: 9q21.2.
Variant type: Duplication.
Coding change: c.1400dup on transcript NM_001330691.3 (MANE Select); coding-DNA position 1400, one base duplicated (T; older notation c.1400dupT).
Protein change: p.Gln469fs; shifts the reading frame from glutamine 469.
Molecular consequence: frameshift variant.
Genome position (GRCh38, 1-based): chr9:78,262,926, T duplicated. VCF-style (leftmost placement, unchanged base first): chr9-78262925-C-CT. GRCh37 (hg19) VCF-style: chr9-80877841-C-CT.
Other names: c.1403dup, p.Gln470fs (NM_001349840.2, NM_032171.3, NM_001349839.2 and 1 more transcripts); c.1400dup, p.Gln469fs (NM_001349838.2, NM_001330693.3, NM_001330694.2); short protein forms Q470fs, Q469fs.
Identifiers: ClinVar variation 3658138 (VCV003658138.2).
Genomic context (GRCh38, chr9:78,262,925, plus strand): 5'-TTGGGAATTAATTATAATATTTACTTTATTACTTAATACTAGGAAAAACTGGAGGAGTGC[C>CT]TAAAGCAGTTAAAGGAAGAAAGAGTGATAAGGCTTAAGGTTGATAAACGAGTCAGTGAGG-3'

ClinVar aggregate classification (germline): Pathogenic (1 of 4 stars; one submission).

Submission:

Labcorp Genetics (formerly Invitae), Labcorp
Classification: Pathogenic. Last evaluated: 2024-06-28. Review status: criteria provided, single submitter. Criteria: Invitae Variant Classification Sherloc (09022015). Collection method: clinical testing. Allele origin: germline.
Comment: This sequence change creates a premature translational stop signal (p.Gln470Alafs*11) in the CEP78 gene. It is expected to result in an absent or disrupted protein product. Loss-of-function variants in CEP78 are known to be pathogenic (PMID: 27588451, 27588452, 27627988). This variant is not present in population databases (gnomAD no frequency). This variant has not been reported in the literature in individuals affected with CEP78-related conditions. Algorithms developed to predict the effect of sequence changes on RNA splicing suggest that this variant may disrupt the consensus splice site. For these reasons, this variant has been classified as Pathogenic.

Literature cited by the submitters: PubMed 27588451; PubMed 27588452; PubMed 27627988.